The following is an entry in ClinVar:

ClinVar aggregate classification (germline): Uncertain significance (1 of 4 stars; one submission).

Conditions:
Atrioventricular septal defect 4 (AVSD4). Identifiers: MedGen C3280781, MONDO:0013747, OMIM 614430.

Submission:

Labcorp Genetics (formerly Invitae), Labcorp
Classification: Uncertain significance for Atrioventricular septal defect 4. Last evaluated: 2024-08-21. Review status: criteria provided, single submitter. Criteria: Invitae Variant Classification Sherloc (09022015). Collection method: clinical testing. Allele origin: germline.
Comment: This sequence change replaces glycine, which is neutral and non-polar, with arginine, which is basic and polar, at codon 194 of the GATA4 protein (p.Gly194Arg). This variant is not present in population databases (gnomAD no frequency). This variant has not been reported in the literature in individuals affected with GATA4-related conditions. Invitae Evidence Modeling of protein sequence and biophysical properties (such as structural, functional, and spatial information, amino acid conservation, physicochemical variation, residue mobility, and thermodynamic stability) indicates that this missense variant is not expected to disrupt GATA4 protein function with a negative predictive value of 80%. In summary, the available evidence is currently insufficient to determine the role of this variant in disease. Therefore, it has been classified as a Variant of Uncertain Significance.

NM_001308093.3(GATA4):c.580G>C (p.Gly194Arg)

Gene: GATA4 (GATA binding protein 4). Cytogenetic location: 8p23.1.
Variant type: single nucleotide variant.
Coding change: c.580G>C on transcript NM_001308093.3 (MANE Select); coding-DNA position 580, G replaced by C.
Protein change: p.Gly194Arg; replaces glycine 194 with arginine.
Molecular consequence: missense variant. On other transcripts: intron variant (3).
Genome position (GRCh38, 1-based): chr8:11,708,892, G>C. VCF-style: chr8-11708892-G-C. GRCh37 (hg19) VCF-style: chr8-11566401-G-C.
Other names: c.580G>C, p.Gly194Arg (NM_002052.5); c.-6+8114G>C (NM_001308094.2); c.-3+878G>C (NM_001374274.1); c.-3+4588G>C (NM_001374273.1); short protein forms G194R.
Identifiers: ClinVar variation 3632499 (VCV003632499.2).
Genomic context (GRCh38, chr8:11,708,892, plus strand): 5'-GCCGCAGCCGCCGCCGCCTCCGCCGGCCCCTTCGACAGCCCGGTCCTGCACAGCCTGCCC[G>C]GCCGGGCCAACCCGGCCGCCCGACACCCCAATCTCGGTGAGTAGGAGCGCGAGGGCTGGG-3'
Protein context (NP_001295022.1, residues 184-204): FDSPVLHSLP[Gly194Arg]RANPAARHPN